The following is an entry in ClinVar:

NM_000179.3(MSH6):c.3514_3540inv (p.Arg1172_Ser1180delinsTer)

Gene: MSH6 (mutS homolog 6; plus strand). Cytogenetic location: 2p16.3.
Variant type: Inversion.
Coding change: c.3514_3540inv on transcript NM_000179.3 (MANE Select).
Protein change: p.Arg1172_Ser1180delinsTer.
Molecular consequence: nonsense.
Genome position: GRCh38: chr2:47,804,985-47,805,011. GRCh37 (hg19): chr2:48,032,124-48,032,150.
Other names: c.3124_3150inv, p.Arg1042_Ser1050delinsTer (NM_001281492.2); c.2608_2634inv, p.Arg870_Ser878delinsTer (NM_001281493.2, NM_001281494.2); c.3610_3636inv27, p.Arg1204Ter (NM_001406795.1, NM_001406802.1); c.3514_3540inv27, p.Arg1172Ter (NM_001406796.1, NM_001406800.1, NM_001406808.1 and 1 more transcripts); c.3217_3243inv27, p.Arg1073Ter (NM_001406797.1, NM_001406801.1, NM_001406805.1 and 10 more transcripts); c.3340_3366inv27, p.Arg1114Ter (NM_001406798.1); c.2989_3015inv27, p.Arg997Ter (NM_001406799.1, NM_001406806.1, NM_001406807.1); c.2650_2676inv27, p.Arg884Ter (NM_001406803.1); and 9 more; short protein forms R1172*, R870*, R884*, R99*, R1114*, R1116*, R1146*, R1204*.
Identifiers: ClinVar variation 1732188 (VCV001732188.2), ClinGen allele CA2580067183.
Genomic context (GRCh38, chr2:47,804,985, plus strand): 5'-GTAATGGCCCAGATGGGTTGTTACGTCCCTGCTGAAGTGTGCAGGCTCACACCAATTGAT[AGAGTGTTTACTAGACTTGGTGCCTCA>TGAGGCACCAAGTCTAGTAAACACTCT]GACAGAATAATGTCAGGTGAGTTTTTTGTTTCCCACTTAAGTTCTCATTCAGTCATTTAG-3'

ClinVar aggregate classification (germline): Pathogenic (1 of 4 stars; one submission).

Conditions:
Hereditary cancer-predisposing syndrome. Also called: Neoplastic Syndromes, Hereditary; Tumor predisposition; Hereditary Cancer Syndrome; Hereditary neoplastic syndrome. Identifiers: Orphanet 140162, MedGen C0027672, MeSH D009386, MONDO:0015356.

Submission:

Ambry Genetics
Classification: Pathogenic for Hereditary cancer-predisposing syndrome. Last evaluated: 2021-09-07. Review status: criteria provided, single submitter. Criteria: Ambry Variant Classification Scheme 2023. Collection method: clinical testing. Allele origin: germline.
Comment: The c.3514_3540inv pathogenic mutation (also known as p.R1172*), located in coding exon 6 of the MSH6 gene, results from an inversion at nucleotide positions 3514 to 3540. This results in the substitution of a stop codon for an arginine at amino acid position 1172. This alteration is expected to result in loss of function by premature protein truncation or nonsense-mediated mRNA decay. As such, this alteration is interpreted as a disease-causing mutation.